The following is an entry in ClinVar:

NM_007294.4(BRCA1):c.239G>C (p.Ser80Thr)

Gene: BRCA1 (BRCA1 DNA repair associated; minus strand). Cytogenetic location: 17q21.31.
Variant type: single nucleotide variant.
Coding change: c.239G>C on transcript NM_007294.4 (MANE Select); coding-DNA position 239, G replaced by C.
Protein change: p.Ser80Thr; replaces serine 80 with threonine.
Molecular consequence: missense variant. On other transcripts: non-coding transcript variant (1).
Genome position (GRCh38, 1-based): chr17:43,104,930, C>G on the plus strand (G>C on the coding strand, the complement: BRCA1 is on the minus strand). VCF-style: chr17-43104930-C-G. GRCh37 (hg19) VCF-style: chr17-41256947-C-G.
Other names: c.239G>C, p.Ser80Thr (NM_001407677.1, NM_001407678.1, NM_001407679.1 and 168 more transcripts); c.98G>C, p.Ser33Thr (NM_001407692.1, NM_001407694.1, NM_001407695.1 and 99 more transcripts); c.29G>C, p.Ser10Thr (NM_001407853.1, NM_001407879.1, NM_001407881.1 and 58 more transcripts); c.161G>C, p.Ser54Thr (NM_001407862.1, NM_001407874.1, NM_001407875.1 and 21 more transcripts); c.-143G>C (NM_001407959.1, NM_001407960.1, NM_001407962.1 and 4 more transcripts); c.107G>C, p.Ser36Thr (NM_001408451.1); short protein forms S33T, S80T, S10T, S54T, S36T.
Identifiers: ClinVar variation 865316 (VCV000865316.3), dbSNP rs2054690270, ClinGen allele CA10601679.

Conditions:
Breast-ovarian cancer, familial, susceptibility to, 1 (BROVCA1). Also called: BRCA1 Hereditary Breast and Ovarian Cancer; OVARIAN CANCER, SUSCEPTIBILITY TO. Identifiers: Orphanet 145, MedGen C2676676, MONDO:0011450, OMIM 604370. Disease mechanism: loss of function.

Submission:

Brotman Baty Institute, University of Washington
No classification provided (evidence only). Condition: Breast-ovarian cancer, familial 1. Review status: no classification provided. Collection method: in vitro. Allele origin: not applicable. Functional consequence: functionally_normal.
ClinVar note: "not provided" was previously submitted as the classification for the variant. However, the classification appeared to be based only on an observation of functional data so it was converted to no classification on 2025-07-30.